The following is an entry in ClinVar:

NM_000370.3(TTPA):c.265C>T (p.Pro89Ser)

Gene: TTPA (alpha tocopherol transfer protein; minus strand). Cytogenetic location: 8q12.3.
Variant type: single nucleotide variant.
Coding change: c.265C>T on transcript NM_000370.3 (MANE Select); coding-DNA position 265, C replaced by T.
Protein change: p.Pro89Ser; replaces proline 89 with serine.
Molecular consequence: missense variant.
Genome position (GRCh38, 1-based): chr8:63,073,028, G>A on the plus strand (C>T on the coding strand, the complement: TTPA is on the minus strand). VCF-style: chr8-63073028-G-A. GRCh37 (hg19) VCF-style: chr8-63985587-G-A.
Other names: short protein forms P89S.
Identifiers: ClinVar variation 1372046 (VCV001372046.4), dbSNP rs374272548, ClinGen allele CA4763291.

ClinVar aggregate classification (germline): Uncertain significance. Review status: criteria provided, multiple submitters, no conflicts (2 of 4 stars). 2 submissions from 2 submitters: Uncertain significance (2). Last evaluated 2022-08-16.

Allele frequency attached by ClinVar (database versions not stated): gnomAD exomes below 0.00001 and 0.00003; ExAC 0.00006; gnomAD 0.00006 and 0.00007; ESP Exome Variant Server 0.00015.
gnomAD v4.1: 14 of 1,613,350 alleles (0.00087%); highest among the groups gnomAD compares: African/African-American, 0.016%; no homozygotes.

Submissions (2):

Labcorp Genetics (formerly Invitae), Labcorp
Classification: Uncertain significance. Last evaluated: 2022-08-16. Review status: criteria provided, single submitter. Criteria: Invitae Variant Classification Sherloc (09022015). Collection method: clinical testing. Allele origin: germline.
Comment: This sequence change replaces proline, which is neutral and non-polar, with serine, which is neutral and polar, at codon 89 of the TTPA protein (p.Pro89Ser). This variant is present in population databases (rs374272548, gnomAD 0.04%). This missense change has been observed in individual(s) with clinical features of TTPA-related conditions (PMID: 29482223). ClinVar contains an entry for this variant (Variation ID: 1372046). Algorithms developed to predict the effect of missense changes on protein structure and function are either unavailable or do not agree on the potential impact of this missense change (SIFT: "Deleterious"; PolyPhen-2: "Possibly Damaging"; Align-GVGD: "Class C0"). In summary, the available evidence is currently insufficient to determine the role of this variant in disease. Therefore, it has been classified as a Variant of Uncertain Significance.

Athena Diagnostics
Classification: Uncertain significance. Last evaluated: 2021-06-23. Review status: criteria provided, single submitter. Criteria: Athena Diagnostics Criteria. Collection method: clinical testing. Allele origin: unknown.

Literature cited by the submitters: PubMed 29482223 (cited by Labcorp Genetics (formerly Invitae), Labcorp and Athena Diagnostics).